The following is an entry in ClinVar:

ClinVar aggregate classification (germline): Pathogenic (1 of 4 stars; one submission).

Conditions:
Autosomal dominant nonsyndromic hearing loss 65. Also called: Deafness, autosomal dominant 65; TBC1D24-Related Autosomal Dominant Nonsyndromic Hearing Loss (DFNA). Identifiers: Orphanet 90635, MedGen C3892048, MONDO:0014470, OMIM 616044.
Developmental and epileptic encephalopathy, 1 (DEE1). Also called: INFANTILE SPASM SYNDROME, X-LINKED 1; X-linked infantile spasms; West's syndrome; Tonic spasms with clustering, arrest of psychomotor development and hypsarrhythmia on EEG; X-Linked Infantile Spasm Syndrome; OHTAHARA SYNDROME, X-LINKED. Identifiers: MedGen C3463992, MONDO:0010632, OMIM 308350. Disease mechanism: loss of function.

Allele frequency attached by ClinVar (database versions not stated): gnomAD exomes below 0.00001.
gnomAD v4.1: 1 of 1,613,472 alleles (0.000062%); highest among the groups gnomAD compares: Non-Finnish European, 0.000085%; no homozygotes.

Submission:

Labcorp Genetics (formerly Invitae), Labcorp
Classification: Pathogenic for Developmental and epileptic encephalopathy, 1; Autosomal dominant nonsyndromic hearing loss 65. Last evaluated: 2023-01-13. Review status: criteria provided, single submitter. Criteria: Invitae Variant Classification Sherloc (09022015). Collection method: clinical testing. Allele origin: germline.
Comment: This variant has not been reported in the literature in individuals affected with TBC1D24-related conditions. For these reasons, this variant has been classified as Pathogenic. This variant is not present in population databases (gnomAD no frequency). This sequence change creates a premature translational stop signal (p.Cys180*) in the TBC1D24 gene. It is expected to result in an absent or disrupted protein product. Loss-of-function variants in TBC1D24 are known to be pathogenic (PMID: 23526554, 24291220).

Literature cited by the submitters: PubMed 23526554; PubMed 24291220.

NM_001199107.2(TBC1D24):c.540C>A (p.Cys180Ter)

Gene: TBC1D24 (TBC1 domain family member 24; plus strand). Cytogenetic location: 16p13.3.
Variant type: single nucleotide variant.
Coding change: c.540C>A on transcript NM_001199107.2 (MANE Select); coding-DNA position 540, C replaced by A.
Protein change: p.Cys180Ter; replaces cysteine 180 with a stop codon.
Molecular consequence: nonsense.
Genome position (GRCh38, 1-based): chr16:2,496,688, C>A. VCF-style: chr16-2496688-C-A. GRCh37 (hg19) VCF-style: chr16-2546689-C-A.
Other names: c.540C>A, p.Cys180Ter (NM_020705.3); short protein forms C180*.
Identifiers: ClinVar variation 2943158 (VCV002943158.3), dbSNP rs2505514584, ClinGen allele CA394376465.